The following is an entry in ClinVar:

NM_000535.7(PMS2):c.1306A>G (p.Ser436Gly)

Gene: PMS2 (PMS1 homolog 2, mismatch repair system component; minus strand). Cytogenetic location: 7p22.1.
Variant type: single nucleotide variant.
Coding change: c.1306A>G on transcript NM_000535.7 (MANE Select); coding-DNA position 1306, A replaced by G.
Protein change: p.Ser436Gly; replaces serine 436 with glycine.
Molecular consequence: missense variant. On other transcripts: non-coding transcript variant (1).
Genome position (GRCh38, 1-based): chr7:5,987,459, T>C on the plus strand (A>G on the coding strand, the complement: PMS2 is on the minus strand). VCF-style: chr7-5987459-T-C. GRCh37 (hg19) VCF-style: chr7-6027090-T-C.
Other names: c.901A>G, p.Ser301Gly (NM_001322003.2, NM_001322004.2, NM_001322005.2 and 1 more transcripts); c.1150A>G, p.Ser384Gly (NM_001322006.2); c.988A>G, p.Ser330Gly (NM_001322007.2, NM_001322008.2); c.745A>G, p.Ser249Gly (NM_001322010.2); c.373A>G, p.Ser125Gly (NM_001322011.2, NM_001322012.2); c.733A>G, p.Ser245Gly (NM_001322013.2); c.1306A>G, p.Ser436Gly (NM_001322014.2); c.997A>G, p.Ser333Gly (NM_001322015.2); short protein forms S125G, S249G, S301G, S333G, S245G, S330G, S436G, S384G.
Identifiers: ClinVar variation 654827 (VCV000654827.14), dbSNP rs1583321782, ClinGen allele CA366742370.

ClinVar aggregate classification (germline): Conflicting classifications of pathogenicity. Review status: criteria provided, conflicting classifications (1 of 4 stars). 5 submissions from 5 submitters: Uncertain significance (4); Likely benign (1). Last evaluated 2024-09-23.

Conditions:
Hereditary nonpolyposis colorectal neoplasms. Identifiers: MedGen C0009405, MeSH D003123.
Lynch syndrome. Identifiers: Orphanet 144, MedGen C4552100, MONDO:0005835. Disease mechanism: loss of function.
Hereditary cancer-predisposing syndrome. Also called: Hereditary neoplastic syndrome; Tumor predisposition; Neoplastic Syndromes, Hereditary; Hereditary Cancer Syndrome. Identifiers: Orphanet 140162, MedGen C0027672, MeSH D009386, MONDO:0015356.

Submissions (5):

All of Us Research Program, National Institutes of Health
Classification: Uncertain significance for Lynch syndrome. Last evaluated: 2024-09-23. Review status: criteria provided, single submitter. Criteria: ACMG Guidelines, 2015. Collection method: clinical testing. Allele origin: germline. Inheritance: Autosomal dominant inheritance. Observed: 1 variant allele, 1 heterozygote.
Comment: This missense variant replaces serine with glycine at codon 436 of the PMS2 protein. Computational prediction suggests that this variant may not impact protein structure and function (internally defined REVEL score threshold <= 0.5, PMID: 27666373). To our knowledge, functional studies have not been reported for this variant. This variant has not been reported in individuals affected with hereditary cancer in the literature. This variant has not been identified in the general population by the Genome Aggregation Database (gnomAD). The available evidence is insufficient to determine the role of this variant in disease conclusively. Therefore, this variant is classified as a Variant of Uncertain Significance.

This study involves interpretation of variants in research participants for the purpose of population health screening. Participant phenotype was not available at the time of variant classification. Additional details can be found in publication PMID: 35346344, PMCID: PMC8962531

Color Diagnostics, LLC DBA Color Health
Classification: Uncertain significance for Hereditary cancer-predisposing syndrome. Last evaluated: 2024-03-07. Review status: criteria provided, single submitter. Criteria: ACMG Guidelines, 2015. Collection method: clinical testing. Allele origin: germline.
Comment: This missense variant replaces serine with glycine at codon 436 of the PMS2 protein. Computational prediction suggests that this variant may not impact protein structure and function (internally defined REVEL score threshold <= 0.5, PMID: 27666373). To our knowledge, functional studies have not been reported for this variant. This variant has not been reported in individuals affected with hereditary cancer in the literature. This variant has not been identified in the general population by the Genome Aggregation Database (gnomAD). The available evidence is insufficient to determine the role of this variant in disease conclusively. Therefore, this variant is classified as a Variant of Uncertain Significance.

Labcorp Genetics (formerly Invitae), Labcorp
Classification: Uncertain significance for Hereditary nonpolyposis colorectal neoplasms. Last evaluated: 2023-02-27. Review status: criteria provided, single submitter. Criteria: Invitae Variant Classification Sherloc (09022015). Collection method: clinical testing. Allele origin: germline.
Comment: In summary, the available evidence is currently insufficient to determine the role of this variant in disease. Therefore, it has been classified as a Variant of Uncertain Significance. Advanced modeling of protein sequence and biophysical properties (such as structural, functional, and spatial information, amino acid conservation, physicochemical variation, residue mobility, and thermodynamic stability) performed at Invitae indicates that this missense variant is not expected to disrupt PMS2 protein function. ClinVar contains an entry for this variant (Variation ID: 654827). This variant has not been reported in the literature in individuals affected with PMS2-related conditions. This variant is not present in population databases (gnomAD no frequency). This sequence change replaces serine, which is neutral and polar, with glycine, which is neutral and non-polar, at codon 436 of the PMS2 protein (p.Ser436Gly).

Ambry Genetics
Classification: Likely benign for Hereditary cancer-predisposing syndrome. Last evaluated: 2021-11-02. Review status: criteria provided, single submitter. Criteria: Ambry Variant Classification Scheme 2023. Collection method: clinical testing. Allele origin: germline.

Women's Health and Genetics/Laboratory Corporation of America, LabCorp
Classification: Uncertain significance. Last evaluated: 2019-11-18. Review status: criteria provided, single submitter. Criteria: LabCorp Variant Classification Summary - May 2015. Collection method: clinical testing. Allele origin: germline.
Comment: Variant summary: PMS2 c.1306A>G (p.Ser436Gly) results in a non-conservative amino acid change in the encoded protein sequence. Four of five in-silico tools predict a benign effect of the variant on protein function. The variant was absent in 251194 control chromosomes. The available data on variant occurrences in the general population are insufficient to allow any conclusion about variant significance. To our knowledge, no occurrence of c.1306A>G in individuals affected with Lynch Syndrome and no experimental evidence demonstrating its impact on protein function have been reported. One clinical diagnostic laboratory has submitted clinical-significance assessments for this variant to ClinVar after 2014 without evidence for independent evaluation and classified the variant as uncertain significance. Based on the evidence outlined above, the variant was classified as uncertain significance.